The following is an entry in ClinVar:

ClinVar aggregate classification (germline): Conflicting classifications of pathogenicity. Review status: criteria provided, conflicting classifications (1 of 4 stars). 3 submissions from 3 submitters: Likely pathogenic (1); Uncertain significance (2). Last evaluated 2026-03-03.

Conditions:
Familial cancer of breast. Also called: BREAST CANCER, FAMILIAL; hereditary breast carcinoma; Hereditary breast cancer. Identifiers: Orphanet 227535, MedGen C0346153, MONDO:0016419, OMIM 114480. Disease mechanism: loss of function.
Ataxia-telangiectasia syndrome (AT). Also called: Ataxia telangiectasia (A-T); LOUIS-BAR SYNDROME; Ataxia-telangiectasia, complementation group E; Ataxia-telangiectasia, complementation group D; AT, COMPLEMENTATION GROUP C; ATAXIA-TELANGIECTASIA, COMPLEMENTATION GROUP A. Identifiers: Orphanet 100, MedGen C0004135, MONDO:0008840, OMIM 208900.
Hereditary cancer-predisposing syndrome. Also called: Tumor predisposition; Hereditary neoplastic syndrome; Neoplastic Syndromes, Hereditary; Hereditary Cancer Syndrome. Identifiers: Orphanet 140162, MedGen C0027672, MeSH D009386, MONDO:0015356.

Allele frequency attached by ClinVar (database versions not stated): gnomAD exomes below 0.00001.
gnomAD v4.1: 1 of 1,608,678 alleles (0.000062%); highest among the groups gnomAD compares: Non-Finnish European, 0.000085%; no homozygotes.

Submissions (3):

Ambry Genetics
Classification: Uncertain significance for Hereditary cancer-predisposing syndrome. Last evaluated: 2026-03-03. Review status: criteria provided, single submitter. Criteria: Ambry Variant Classification Scheme 2023. Collection method: clinical testing. Allele origin: germline.
Comment: The p.E1592D variant (also known as p.E1592D), located in coding exon 30 of the ATM gene, results from a G to C substitution at nucleotide position 4776. The glutamic acid at codon 1592 is replaced by aspartic acid, an amino acid with highly similar properties. However, this change occurs in the last base pair of coding exon 30, which makes it likely to have some effect on normal mRNA splicing. This nucleotide position is highly conserved in available vertebrate species. This amino acid position is well conserved in available vertebrate species. In silico splice site analysis predicts that this alteration will weaken the native splice donor site. In addition, as a missense substitution this is predicted to be tolerated by in silico analysis. Based on the available evidence, the clinical significance of this variant remains unclear.

Myriad Genetics, Inc.
Classification: Likely pathogenic for Familial cancer of breast. Last evaluated: 2024-07-15. Review status: criteria provided, single submitter. Criteria: Myriad Autosomal Dominant, Autosomal Recessive and X-Linked Classification Criteria (2023). Collection method: clinical testing. Allele origin: unknown.
Comment: This variant is considered likely pathogenic. mRNA analysis has demonstrated abnormal mRNA splicing occurs [Myriad internal data].

Labcorp Genetics (formerly Invitae), Labcorp
Classification: Uncertain significance for Ataxia-telangiectasia syndrome. Last evaluated: 2017-01-13. Review status: criteria provided, single submitter. Criteria: Invitae Variant Classification Sherloc (09022015). Collection method: clinical testing. Allele origin: germline.
Comment: In summary, this variant is a rare missense change with uncertain impact on protein function. There is no indication that it causes disease, but the available evidence is currently insufficient to prove that conclusively. Therefore, it has been classified as a Variant of Uncertain Significance. Nucleotide substitutions within the consensus splice site are relatively common causes of aberrant splicing (PMID: 17576681, 9536098). Algorithms developed to predict the effect of nucleotide changes on RNA splicing suggest that this variant may alter RNA splicing, but this prediction has not been confirmed by published transcriptional studies. This variant is not present in population databases (ExAC no frequency) and has not been reported in the literature in individuals with an ATM-related disease. ClinVar contains an entry for this variant (Variation ID: 186464). Algorithms developed to predict the effect of missense changes on protein structure and function (SIFT, PolyPhen-2, Align-GVGD) all suggest that this variant is likely to be tolerated, but these predictions have not been confirmed by published functional studies. This sequence change replaces glutamic acid with aspartic acid at codon 1592 of the ATM protein (p.Glu1592Asp). The glutamic acid residue is moderately conserved and there is a small physicochemical difference between glutamic acid and aspartic acid. This variant also falls at the last nucleotide of exon 31 of the ATM coding sequence.

Literature cited by the submitters: PubMed 17576681 (cited by Labcorp Genetics (formerly Invitae), Labcorp); PubMed 9536098 (cited by Labcorp Genetics (formerly Invitae), Labcorp).

NM_000051.4(ATM):c.4776G>C (p.Glu1592Asp)

Gene: ATM (ATM serine/threonine kinase; plus strand). Cytogenetic location: 11q22.3.
Variant type: single nucleotide variant.
Coding change: c.4776G>C on transcript NM_000051.4 (MANE Select); coding-DNA position 4776, G replaced by C.
Protein change: p.Glu1592Asp; replaces glutamic acid 1592 with aspartic acid.
Molecular consequence: missense variant.
Genome position (GRCh38, 1-based): chr11:108,293,477, G>C. VCF-style: chr11-108293477-G-C. GRCh37 (hg19) VCF-style: chr11-108164204-G-C.
Other names: c.4776G>C, p.Glu1592Asp (NM_001351834.2); short protein forms E1592D.
Identifiers: ClinVar variation 186464 (VCV000186464.15), dbSNP rs786202973, ClinGen allele CA194897.